The following is an entry in ClinVar:

ClinVar aggregate classification (germline): Benign/Likely benign. Review status: criteria provided, multiple submitters, no conflicts (2 of 4 stars). 3 submissions from 3 submitters: Benign (1); Likely benign (1). 1 of the submissions does not count toward it. Last evaluated 2025-03-24.

Conditions:
Inborn genetic diseases. Identifiers: MedGen C0950123, MeSH D030342.
Rubinstein-Taybi syndrome (RSTS). Identifiers: Orphanet 783, MedGen C0035934, MONDO:0019188.
CREBBP-related disorder. Also called: CREBBP-related disorders; CREBBP-related condition.

Allele frequency attached by ClinVar (database versions not stated): gnomAD 0.00003 and 0.00004; TOPMed 0.00003; ExAC 0.00005.
gnomAD v4.1: 32 of 1,613,966 alleles (0.002%); highest among the groups gnomAD compares: South Asian, 0.016%; no homozygotes.

Submissions (3):

Labcorp Genetics (formerly Invitae), Labcorp
Classification: Benign for Rubinstein-Taybi syndrome. Last evaluated: 2025-03-24. Review status: criteria provided, single submitter. Criteria: Invitae Variant Classification Sherloc (09022015). Collection method: clinical testing. Allele origin: germline.

Ambry Genetics
Classification: Likely benign for Inborn genetic diseases. Last evaluated: 2017-03-31. Review status: criteria provided, single submitter. Criteria: Ambry Variant Classification Scheme 2023. Collection method: clinical testing. Allele origin: germline.

PreventionGenetics, part of Exact Sciences
Classification: Likely benign for CREBBP-related condition. Last evaluated: 2023-02-28. Review status: no assertion criteria provided. Collection method: clinical testing. Allele origin: germline. Not counted in ClinVar's aggregate classification.
Comment: This variant is classified as likely benign based on ACMG/AMP sequence variant interpretation guidelines (Richards et al. 2015 PMID: 25741868, with internal and published modifications).

NM_004380.3(CREBBP):c.3239C>T (p.Pro1080Leu)

Gene: CREBBP (CREB binding lysine acetyltransferase; minus strand). Cytogenetic location: 16p13.3.
Variant type: single nucleotide variant.
Coding change: c.3239C>T on transcript NM_004380.3 (MANE Select); coding-DNA position 3239, C replaced by T.
Protein change: p.Pro1080Leu; replaces proline 1080 with leucine.
Molecular consequence: missense variant.
Genome position (GRCh38, 1-based): chr16:3,767,731, G>A on the plus strand (C>T on the coding strand, the complement: CREBBP is on the minus strand). VCF-style: chr16-3767731-G-A. GRCh37 (hg19) VCF-style: chr16-3817732-G-A.
Other names: c.3125C>T, p.Pro1042Leu (NM_001079846.1); short protein forms P1080L, P1042L.
Identifiers: ClinVar variation 588879 (VCV000588879.7), dbSNP rs777713620, ClinGen allele CA7869906.